The following is an entry in ClinVar:

NM_001197104.2(KMT2A):c.6563C>G (p.Ser2188Cys)

Gene: KMT2A (lysine methyltransferase 2A; plus strand). Cytogenetic location: 11q23.3.
Variant type: single nucleotide variant.
Coding change: c.6563C>G on transcript NM_001197104.2 (MANE Select); coding-DNA position 6563, C replaced by G.
Protein change: p.Ser2188Cys; replaces serine 2188 with cysteine.
Molecular consequence: missense variant.
Genome position (GRCh38, 1-based): chr11:118,502,455, C>G. VCF-style: chr11-118502455-C-G. GRCh37 (hg19) VCF-style: chr11-118373170-C-G.
Other names: c.6554C>G, p.Ser2185Cys (NM_005933.4); short protein forms S2185C, S2188C.
Identifiers: ClinVar variation 989315 (VCV000989315.7), dbSNP rs1555045999, ClinGen allele CA382802227.

ClinVar aggregate classification (germline): Uncertain significance. Review status: criteria provided, multiple submitters, no conflicts (2 of 4 stars). 2 submissions from 2 submitters: Uncertain significance (2). Last evaluated 2025-04-09.

Conditions:
Wiedemann-Steiner syndrome (WDSTS). Also called: Growth deficiency and mental retardation with facial dysmorphism. Identifiers: Orphanet 319182, MedGen C1854630, MONDO:0011518, OMIM 605130.

Allele frequency attached by ClinVar (database versions not stated): gnomAD exomes 0.00001.
gnomAD v4.1: 2 of 1,613,950 alleles (0.00012%); highest among the groups gnomAD compares: Admixed American, 0.0033%; no homozygotes.

Submissions (2):

Labcorp Genetics (formerly Invitae), Labcorp
Classification: Uncertain significance. Last evaluated: 2025-04-09. Review status: criteria provided, single submitter. Criteria: Invitae Variant Classification Sherloc (09022015). Collection method: clinical testing. Allele origin: germline.
Comment: This sequence change replaces serine, which is neutral and polar, with cysteine, which is neutral and slightly polar, at codon 2188 of the KMT2A protein (p.Ser2188Cys). This variant is present in population databases (no rsID available, gnomAD 0.006%). This missense change has been observed in individual(s) with clinical features of Wiedemann-Steiner syndrome (PMID: 33783954). ClinVar contains an entry for this variant (Variation ID: 989315). Invitae Evidence Modeling of protein sequence and biophysical properties (such as structural, functional, and spatial information, amino acid conservation, physicochemical variation, residue mobility, and thermodynamic stability) has been performed for this missense variant. However, the output from this modeling did not meet the statistical confidence thresholds required to predict the impact of this variant on KMT2A protein function. In summary, the available evidence is currently insufficient to determine the role of this variant in disease. Therefore, it has been classified as a Variant of Uncertain Significance.

Illumina Laboratory Services, Illumina
Classification: Uncertain significance for Wiedemann-Steiner syndrome. Last evaluated: 2019-03-26. Review status: criteria provided, single submitter. Criteria: ICSLVariantClassificationCriteria RUGD 01 April 2020. Collection method: clinical testing. Allele origin: unknown.
Comment: The KMT2A c.6563C>G (p.Ser2188Cys) variant is a missense variant. A literature search was performed for the gene, cDNA change, and amino acid change. No publications were found based on this search. The p.Ser2188Cys variant is reported at a frequency of 0.000060 in the Latino population of the Genome Aggregation Database but this is based on two alleles only in a region of good sequence coverage so the variant is presumed to be rare. Based on the limited evidence, the p.Ser2188Cys variant is classified as a variant of uncertain significance for Wiedemann-Steiner syndrome.

Literature cited by the submitters: PubMed 33783954 (cited by Labcorp Genetics (formerly Invitae), Labcorp).